The following is an entry in ClinVar:

ClinVar aggregate classification (germline): Pathogenic (1 of 4 stars; one submission).

Submission:

GeneDx
Classification: Pathogenic. Last evaluated: 2023-06-05. Review status: criteria provided, single submitter. Criteria: GeneDx Variant Classification Process June 2021. Collection method: clinical testing. Allele origin: germline. Affected: yes.
Comment: Frameshift variant predicted to result in protein truncation or nonsense mediated decay in a gene for which loss of function is a known mechanism of disease; Not observed at significant frequency in large population cohorts (gnomAD); This variant is associated with the following publications: (PMID: 30806661)

NM_000127.3(EXT1):c.742del (p.Arg248fs)

Gene: EXT1 (exostosin glycosyltransferase 1; minus strand). Cytogenetic location: 8q24.11.
Variant type: Deletion.
Coding change: c.742del on transcript NM_000127.3 (MANE Select); coding-DNA position 742, one base deleted (A; older notation c.742delA).
Protein change: p.Arg248fs; shifts the reading frame from arginine 248.
Molecular consequence: frameshift variant.
Genome position (GRCh38, 1-based): chr8:118,110,305, T deleted on the plus strand (A on the coding strand, the reverse complement: EXT1 is on the minus strand). VCF-style (leftmost placement, unchanged base first): chr8-118110304-CT-C. GRCh37 (hg19) VCF-style: chr8-119122543-CT-C.
Other names: c.742delA, p.Arg248Glyfs (NM_000127.2); short protein forms R248fs.
Identifiers: ClinVar variation 2504941 (VCV002504941.1), dbSNP rs2488050966, ClinGen allele CA2580617227.